The following is an entry in ClinVar:

NM_006206.6(PDGFRA):c.835G>A (p.Glu279Lys)

Gene: PDGFRA (platelet derived growth factor receptor alpha; plus strand). Cytogenetic location: 4q12.
Variant type: single nucleotide variant.
Coding change: c.835G>A on transcript NM_006206.6 (MANE Select); coding-DNA position 835, G replaced by A.
Protein change: p.Glu279Lys; replaces glutamic acid 279 with lysine.
Molecular consequence: missense variant.
Genome position (GRCh38, 1-based): chr4:54,267,364, G>A. VCF-style: chr4-54267364-G-A. GRCh37 (hg19) VCF-style: chr4-55133531-G-A.
Other names: c.835G>A, p.Glu279Lys (NM_001347827.2, NM_001347829.2); c.910G>A, p.Glu304Lys (NM_001347828.2); c.874G>A, p.Glu292Lys (NM_001347830.2); c.835G>A (NM_006206.5); short protein forms E279K, E292K, E304K.
Identifiers: ClinVar variation 528515 (VCV000528515.14), dbSNP rs776121704, ClinGen allele CA2922403.

ClinVar aggregate classification (germline): Conflicting classifications of pathogenicity. Review status: criteria provided, conflicting classifications (1 of 4 stars). 5 submissions from 5 submitters: Uncertain significance (3); Likely benign (2). Last evaluated 2026-06-12.

Conditions:
Hereditary cancer-predisposing syndrome. Also called: Neoplastic Syndromes, Hereditary; Hereditary Cancer Syndrome; Tumor predisposition; Hereditary neoplastic syndrome. Identifiers: Orphanet 140162, MedGen C0027672, MeSH D009386, MONDO:0015356.
Polyps, multiple and recurrent inflammatory fibroid, gastrointestinal. Identifiers: MedGen C5193005, MONDO:0008285, OMIM 175510.
Gastrointestinal stromal tumor. Also called: Gastrointestinal stromal tumor, somatic; Gastrointestinal stroma tumor. Identifiers: Orphanet 44890, MedGen C0238198, MeSH D046152, MONDO:0011719, OMIM 606764, HP:0100723.
PDGFRA-related disorder. Also called: PDGFRA-related condition.

Allele frequency attached by ClinVar (database versions not stated): gnomAD exomes below 0.00001 and 0.00001; gnomAD 0.00001; ExAC 0.00002; TOPMed 0.00002.
gnomAD v4.1: 9 of 1,613,972 alleles (0.00056%); highest among the groups gnomAD compares: African/African-American, 0.008%; no homozygotes.

Submissions (5):

Myriad Genetics, Inc.
Classification: Likely benign for Polyps, multiple and recurrent inflammatory fibroid, gastrointestinal. Last evaluated: 2026-06-12. Review status: criteria provided, single submitter. Criteria: Myriad Autosomal Dominant, Autosomal Recessive and X-Linked Classification Criteria (2023). Collection method: clinical testing. Allele origin: unknown.
Comment: This variant is considered likely benign. This variant has been observed at a population frequency that is significantly greater than expected given the associated disease prevalence and penetrance.

CeGaT Center for Human Genetics Tuebingen
Classification: Uncertain significance. Last evaluated: 2026-03-01. Review status: criteria provided, single submitter. Criteria: CeGaT Center For Human Genetics Tuebingen Variant Classification Criteria Version 2. Collection method: clinical testing. Allele origin: germline. Affected: yes. Observed: 1 variant allele.
Comment: PDGFRA: PM2, BP4

Labcorp Genetics (formerly Invitae), Labcorp
Classification: Uncertain significance for Gastrointestinal stromal tumor. Last evaluated: 2026-01-31. Review status: criteria provided, single submitter. Criteria: Invitae Variant Classification Sherloc (09022015). Collection method: clinical testing. Allele origin: germline.
Comment: This sequence change replaces glutamic acid, which is acidic and polar, with lysine, which is basic and polar, at codon 279 of the PDGFRA protein (p.Glu279Lys). This variant is present in population databases (rs776121704, gnomAD 0.008%). This variant has not been reported in the literature in individuals affected with PDGFRA-related conditions. ClinVar contains an entry for this variant (Variation ID: 528515). Invitae Evidence Modeling of protein sequence and biophysical properties (such as structural, functional, and spatial information, amino acid conservation, physicochemical variation, residue mobility, and thermodynamic stability) indicates that this missense variant is not expected to disrupt PDGFRA protein function with a negative predictive value of 80%. In summary, the available evidence is currently insufficient to determine the role of this variant in disease. Therefore, it has been classified as a Variant of Uncertain Significance.

PreventionGenetics, part of Exact Sciences
Classification: Uncertain significance for PDGFRA-related condition. Last evaluated: 2025-12-17. Review status: criteria provided, single submitter. Criteria: ACMG Guidelines, 2015. Collection method: clinical testing. Allele origin: germline.
Comment: The PDGFRA c.835G>A variant is predicted to result in the amino acid substitution p.Glu279Lys. To our knowledge, this variant has not been reported in the literature. This variant is reported in 0.0080% of alleles in individuals of African descent in gnomAD and has conflicting interpretations in ClinVar ranging from uncertain significance to likely benign (Variation ID: 528515). At this time, the clinical significance of this variant is uncertain due to the absence of conclusive functional and genetic evidence.

Ambry Genetics
Classification: Likely benign for Hereditary cancer-predisposing syndrome. Last evaluated: 2024-12-19. Review status: criteria provided, single submitter. Criteria: Ambry Variant Classification Scheme 2023. Collection method: clinical testing. Allele origin: germline.